The following is an entry in ClinVar:

ClinVar aggregate classification (germline): Uncertain significance. Review status: criteria provided, multiple submitters, no conflicts (2 of 4 stars). 2 submissions from 2 submitters: Uncertain significance (2). Last evaluated 2025-09-10.

Conditions:
Inborn genetic diseases. Identifiers: MedGen C0950123, MeSH D030342.
Acute myeloid leukemia (AML). Also called: Acute myeloid leukemia, adult; AML adult; Acute non-lymphocytic leukemia; Acute granulocytic leukemia; Leukemia, acute myeloid, somatic; Leukemia, acute myelogenous, somatic. Identifiers: Orphanet 519, MedGen C0023467, MeSH D015470, MONDO:0018874, OMIM 601626, HP:0004808. Disease mechanism: Constitutively activated FLT3.

gnomAD v4.1: 2 of 1,601,144 alleles (0.00012%); highest among the groups gnomAD compares: Non-Finnish European, 0.00017%; no homozygotes.

Submissions (2):

Ambry Genetics
Classification: Uncertain significance for Inborn genetic diseases. Last evaluated: 2025-09-10. Review status: criteria provided, single submitter. Criteria: Ambry Variant Classification Scheme 2023. Collection method: clinical testing. Allele origin: germline.
Comment: The p.G272D variant (also known as c.815G>A), located in coding exon 1 of the CEBPA gene, results from a G to A substitution at nucleotide position 815. The glycine at codon 272 is replaced by aspartic acid, an amino acid with similar properties. This amino acid position is conserved. In addition, this alteration is predicted to be tolerated by in silico analysis. Based on the available evidence, the clinical significance of this variant remains unclear.

Labcorp Genetics (formerly Invitae), Labcorp
Classification: Uncertain significance for Acute myeloid leukemia. Last evaluated: 2022-05-22. Review status: criteria provided, single submitter. Criteria: Invitae Variant Classification Sherloc (09022015). Collection method: clinical testing. Allele origin: germline.
Comment: This variant has not been reported in the literature in individuals affected with CEBPA-related conditions. This variant is not present in population databases (gnomAD no frequency). This sequence change replaces glycine, which is neutral and non-polar, with aspartic acid, which is acidic and polar, at codon 272 of the CEBPA protein (p.Gly272Asp). In summary, the available evidence is currently insufficient to determine the role of this variant in disease. Therefore, it has been classified as a Variant of Uncertain Significance. Algorithms developed to predict the effect of missense changes on protein structure and function are either unavailable or do not agree on the potential impact of this missense change (SIFT: "Tolerated"; PolyPhen-2: "Possibly Damaging"; Align-GVGD: "Class C0").

NM_004364.5(CEBPA):c.815G>A (p.Gly272Asp)

Gene: CEBPA (CCAAT enhancer binding protein alpha; minus strand). Cytogenetic location: 19q13.11.
Variant type: single nucleotide variant.
Coding change: c.815G>A on transcript NM_004364.5 (MANE Select); coding-DNA position 815, G replaced by A.
Protein change: p.Gly272Asp; replaces glycine 272 with aspartic acid.
Molecular consequence: missense variant.
Genome position (GRCh38, 1-based): chr19:33,301,600, C>T on the plus strand (G>A on the coding strand, the complement: CEBPA is on the minus strand). VCF-style: chr19-33301600-C-T. GRCh37 (hg19) VCF-style: chr19-33792506-C-T.
Other names: c.458G>A, p.Gly153Asp (NM_001285829.2); c.920G>A, p.Gly307Asp (NM_001287424.2); c.773G>A, p.Gly258Asp (NM_001287435.2); short protein forms G272D, G307D, G153D, G258D.
Identifiers: ClinVar variation 1997831 (VCV001997831.5), dbSNP rs1162467731, ClinGen allele CA405274158.